The following is an entry in ClinVar:

NM_000021.4(PSEN1):c.367G>C (p.Glu123Gln)

Gene: PSEN1 (presenilin 1; plus strand). Cytogenetic location: 14q24.2.
Variant type: single nucleotide variant.
Coding change: c.367G>C on transcript NM_000021.4 (MANE Select); coding-DNA position 367, G replaced by C.
Protein change: p.Glu123Gln; replaces glutamic acid 123 with glutamine.
Molecular consequence: missense variant.
Genome position (GRCh38, 1-based): chr14:73,173,594, G>C. VCF-style: chr14-73173594-G-C. GRCh37 (hg19) VCF-style: chr14-73640302-G-C.
Other names: c.367G>C (NM_000021.3); c.355G>C, p.Glu119Gln (NM_007318.3); short protein forms E119Q, E123Q.
Identifiers: ClinVar variation 1446843 (VCV001446843.8), dbSNP rs63750378, ClinGen allele CA390304753.
Genomic context (GRCh38, chr14:73,173,594, plus strand): 5'-GACCTAGGGCTTTTGTGTTTGTTTTATTGTAGAATCTATACCCCATTCACAGAAGATACC[G>C]AGACTGTGGGCCAGAGAGCCCTGCACTCAATTCTGAATGCTGCCATCATGATCAGTGTCA-3'
Protein context (NP_000012.1, residues 113-133): LIYTPFTEDT[Glu123Gln]TVGQRALHSI

ClinVar aggregate classification (germline): Uncertain significance. Review status: criteria provided, multiple submitters, no conflicts (2 of 4 stars). 2 submissions from 2 submitters: Uncertain significance (2). Last evaluated 2025-12-29.

Conditions:
Inborn genetic diseases. Identifiers: MedGen C0950123, MeSH D030342.
Acne inversa, familial, 3 (ACNINV3). Identifiers: MedGen C3151038, MONDO:0013398, OMIM 613737.
Frontotemporal dementia (FTD1). Also called: FRONTOTEMPORAL LOBAR DEGENERATION WITH TAU INCLUSIONS; FTLD WITH TAU INCLUSIONS; Dementia, frontotemporal, with or without parkinsonism; FRONTOTEMPORAL DEMENTIA WITH PARKINSONISM; FRONTOTEMPORAL LOBE DEMENTIA; MULTIPLE SYSTEM TAUOPATHY WITH PRESENILE DEMENTIA. Identifiers: Orphanet 282, MedGen C0338451, MONDO:0017276, OMIM 600274, HP:0002145.
Pick disease. Also called: PICK DISEASE OF BRAIN; DEMENTIA WITH LOBAR ATROPHY AND NEURONAL CYTOPLASMIC INCLUSIONS; LOBAR ATROPHY OF BRAIN; Pick's disease; Pick Disease of the Brain. Identifiers: Orphanet 282, MedGen C0236642, MONDO:0008243, OMIM 172700.
Alzheimer disease 3 (AD3). Also called: ALZHEIMER DISEASE, FAMILIAL, 3. Identifiers: Orphanet 1020, MedGen C1843013, MONDO:0011913, OMIM 607822.

Allele frequency attached by ClinVar (database versions not stated): TOPMed below 0.00001.
gnomAD v4.1: 11 of 1,614,028 alleles (0.00068%); highest among the groups gnomAD compares: Non-Finnish European, 0.00093%; no homozygotes.

Submissions (2):

Ambry Genetics
Classification: Uncertain significance for Inborn genetic diseases. Last evaluated: 2025-12-29. Review status: criteria provided, single submitter. Criteria: Ambry Variant Classification Scheme 2023. Collection method: clinical testing. Allele origin: germline.

Labcorp Genetics (formerly Invitae), Labcorp
Classification: Uncertain significance for Alzheimer disease 3; Pick disease; Acne inversa, familial, 3; Frontotemporal dementia. Last evaluated: 2021-08-12. Review status: criteria provided, single submitter. Criteria: Invitae Variant Classification Sherloc (09022015). Collection method: clinical testing. Allele origin: germline.
Comment: This sequence change replaces glutamic acid with glutamine at codon 123 of the PSEN1 protein (p.Glu123Gln). The glutamic acid residue is moderately conserved and there is a small physicochemical difference between glutamic acid and glutamine. This variant is not present in population databases (ExAC no frequency). This variant has not been reported in the literature in individuals affected with PSEN1-related conditions. Algorithms developed to predict the effect of missense changes on protein structure and function are either unavailable or do not agree on the potential impact of this missense change (SIFT: "Tolerated"; PolyPhen-2: "Possibly Damaging"; Align-GVGD: "Class C0"). In summary, the available evidence is currently insufficient to determine the role of this variant in disease. Therefore, it has been classified as a Variant of Uncertain Significance.